The following is an entry in ClinVar:

NM_152866.3(MS4A1):c.780A>C (p.Glu260Asp)

Gene: MS4A1 (membrane spanning 4-domains A1; plus strand). Cytogenetic location: 11q12.2.
Variant type: single nucleotide variant.
Coding change: c.780A>C on transcript NM_152866.3 (MANE Select); coding-DNA position 780, A replaced by C.
Protein change: p.Glu260Asp; replaces glutamic acid 260 with aspartic acid.
Molecular consequence: missense variant.
Genome position (GRCh38, 1-based): chr11:60,468,354, A>C. VCF-style: chr11-60468354-A-C. GRCh37 (hg19) VCF-style: chr11-60235827-A-C.
Other names: c.780A>C, p.Glu260Asp (NM_021950.4, NM_152867.2); short protein forms E260D.
Identifiers: ClinVar variation 1509702 (VCV001509702.6), dbSNP rs201861406, ClinGen allele CA222766044.

ClinVar aggregate classification (germline): Uncertain significance (1 of 4 stars; one submission).

Allele frequency attached by ClinVar (database versions not stated): gnomAD exomes below 0.00001 and 0.00001; TOPMed 0.00001; gnomAD 0.00003.
gnomAD v4.1: 10 of 1,613,974 alleles (0.00062%); highest among the groups gnomAD compares: Middle Eastern, 0.016%; no homozygotes.

Submission:

Labcorp Genetics (formerly Invitae), Labcorp
Classification: Uncertain significance. Last evaluated: 2025-03-18. Review status: criteria provided, single submitter. Criteria: Invitae Variant Classification Sherloc (09022015). Collection method: clinical testing. Allele origin: germline.
Comment: This sequence change replaces glutamic acid, which is acidic and polar, with aspartic acid, which is acidic and polar, at codon 260 of the MS4A1 protein (p.Glu260Asp). This variant is present in population databases (rs201861406, gnomAD 0.006%). This variant has not been reported in the literature in individuals affected with MS4A1-related conditions. ClinVar contains an entry for this variant (Variation ID: 1509702). An algorithm developed to predict the effect of missense changes on protein structure and function (PolyPhen-2) suggests that this variant is likely to be disruptive. In summary, the available evidence is currently insufficient to determine the role of this variant in disease. Therefore, it has been classified as a Variant of Uncertain Significance.